The following is an entry in ClinVar:

NM_153240.5(NPHP3):c.3057T>A (p.Tyr1019Ter)

Genes: NPHP3 (nephrocystin 3; minus strand), NPHP3-ACAD11 (NPHP3-ACAD11 readthrough (NMD candidate); minus strand). Cytogenetic location: 3q22.1.
Variant type: single nucleotide variant.
Coding change: c.3057T>A on transcript NM_153240.5 (MANE Select); coding-DNA position 3057, T replaced by A.
Protein change: p.Tyr1019Ter; replaces tyrosine 1019 with a stop codon.
Molecular consequence: nonsense. On other transcripts: non-coding transcript variant (1).
Genome position (GRCh38, 1-based): chr3:132,688,718, A>T on the plus strand (T>A on the coding strand, the complement: NPHP3 is on the minus strand). VCF-style: chr3-132688718-A-T. GRCh37 (hg19) VCF-style: chr3-132407562-A-T.
Other names: short protein forms Y1019*.
Identifiers: ClinVar variation 4733554 (VCV004733554.1).

ClinVar aggregate classification (germline): Pathogenic (1 of 4 stars; one submission).

Conditions:
Nephronophthisis. Also called: Juvenile Nephronophthisis. Identifiers: Orphanet 655, MedGen C0687120, MONDO:0019005, HP:0000090.

Submission:

Labcorp Genetics (formerly Invitae), Labcorp
Classification: Pathogenic for Nephronophthisis. Last evaluated: 2025-12-17. Review status: criteria provided, single submitter. Criteria: Invitae Variant Classification Sherloc (09022015). Collection method: clinical testing. Allele origin: germline.
Comment: This sequence change creates a premature translational stop signal (p.Tyr1019*) in the NPHP3 gene. It is expected to result in an absent or disrupted protein product. Loss-of-function variants in NPHP3 are known to be pathogenic (PMID: 18371931, 23559409). This variant is not present in population databases (gnomAD no frequency). This variant has not been reported in the literature in individuals affected with NPHP3-related conditions. Algorithms developed to predict the effect of sequence changes on RNA splicing suggest that this variant may disrupt the consensus splice site. For these reasons, this variant has been classified as Pathogenic.

Literature cited by the submitters: PubMed 18371931; PubMed 23559409.